The following is an entry in ClinVar:

NM_004004.6(GJB2):c.280_284dup (p.Ala96fs)

Gene: GJB2 (gap junction protein beta 2; minus strand). Cytogenetic location: 13q12.11.
Variant type: Duplication.
Coding change: c.280_284dup on transcript NM_004004.6 (MANE Select); coding-DNA positions 280 to 284, 5 bases duplicated (CACGT; older notation c.280_284dupCACGT).
Protein change: p.Ala96fs; shifts the reading frame from alanine 96.
Molecular consequence: frameshift variant.
Genome position (GRCh38, 1-based): chr13:20,189,298-20,189,302, ACGTG duplicated on the plus strand (CACGT on the coding strand, the reverse complement: GJB2 is on the minus strand). VCF-style (leftmost placement, unchanged base first): chr13-20189297-C-CACGTG. GRCh37 (hg19) VCF-style: chr13-20763436-C-CACGTG.
Other names: short protein forms A96fs.
Identifiers: ClinVar variation 17025 (VCV000017025.3), dbSNP rs886037625, ClinGen allele CA10575531.

ClinVar aggregate classification (germline): Likely pathogenic. Review status: criteria provided, single submitter (1 of 4 stars). 2 submissions from 2 submitters: Likely pathogenic (1). 1 of the submissions does not count toward it. Last evaluated 2025-12-19.

Conditions:
Autosomal recessive nonsyndromic hearing loss 1A (DFNB1A). Also called: Connexin 26 deafness; Deafness nonsyndromic, Connexin 26 linked; Nonsyndromic Hearing Loss and Deafness, DFNB1; Deafness, autosomal recessive 1A; GJB6-Related DFNB 1 Nonsyndromic Hearing Loss and Deafness; GJB2-Related Autosomal Recessive Nonsyndromic Hearing Loss. Identifiers: Orphanet 90636, MedGen C2673759, MONDO:0009076, OMIM 220290.

Submissions (2):

Variantyx, Inc.
Classification: Likely pathogenic for Autosomal recessive nonsyndromic hearing loss 1A. Last evaluated: 2025-12-19. Review status: criteria provided, single submitter. Criteria: Variantyx Assertion Criteria 2022. Collection method: clinical testing. Allele origin: germline. Inheritance: Autosomal recessive inheritance. Affected: yes.
Comment: This is a frameshift variant in the GJB2 gene (OMIM: 121011). Pathogenic variants in this gene have been associated with autosomal recessive hearing loss 1A. This variant introduces a premature termination codon in exon 2 out of 2and is expected to result in loss of function, which is a known disease mechanism for GJB2 in this disorder (PMID:¬†11935342) (PVS1_Strong). This variant has been identified in the compound heterozygous state in at least one individual reported in the published literature (PMID: 12239718) (PM3). This variant is absent from control populations (PM2). It is unknown whether these variants are in cis (on the same chromosome) or in trans (on opposite chromosomes).

OMIM
Classification: Pathogenic for DEAFNESS, AUTOSOMAL RECESSIVE 1A. Last evaluated: 2002-09-15. Review status: no assertion criteria provided. Collection method: literature only. Allele origin: germline. Not counted in ClinVar's aggregate classification.

Literature cited by the submitters: PubMed 12239718 (cited by Variantyx, Inc. and OMIM).